The following is an entry in ClinVar:

ClinVar aggregate classification (germline): Uncertain significance. Review status: criteria provided, multiple submitters, no conflicts (2 of 4 stars). 2 submissions from 2 submitters: Uncertain significance (2). Last evaluated 2025-09-11.

Conditions:
COMP-related disorder. Also called: COMP-related condition; COMP-related disorders.

Allele frequency attached by ClinVar (database versions not stated): gnomAD exomes below 0.00001; gnomAD 0.00001.
gnomAD v4.1: 3 of 1,611,490 alleles (0.00019%); highest among the groups gnomAD compares: Non-Finnish European, 0.00017%; no homozygotes.

Submissions (2):

Labcorp Genetics (formerly Invitae), Labcorp
Classification: Uncertain significance. Last evaluated: 2025-09-11. Review status: criteria provided, single submitter. Criteria: Invitae Variant Classification Sherloc (09022015). Collection method: clinical testing. Allele origin: germline.
Comment: This sequence change disrupts the translational stop signal of the COMP mRNA. It is expected to extend the length of the COMP protein by 4 additional amino acid residues. This variant is not present in population databases (gnomAD no frequency). This variant has not been reported in the literature in individuals affected with COMP-related conditions. ClinVar contains an entry for this variant (Variation ID: 890687). Experimental studies and prediction algorithms are not available or were not evaluated, and the functional significance of this variant is currently unknown. In summary, the available evidence is currently insufficient to determine the role of this variant in disease. Therefore, it has been classified as a Variant of Uncertain Significance.

Illumina Laboratory Services, Illumina
Classification: Uncertain significance for COMP-Related Disorders. Last evaluated: 2017-04-28. Review status: criteria provided, single submitter. Criteria: ICSL Variant Classification Criteria 13 December 2019. Collection method: clinical testing. Allele origin: germline.

NM_000095.3(COMP):c.2272T>C (p.Ter758Gln)

Gene: COMP (cartilage oligomeric matrix protein; minus strand). Cytogenetic location: 19p13.11.
Variant type: single nucleotide variant.
Coding change: c.2272T>C on transcript NM_000095.3 (MANE Select); coding-DNA position 2272, T replaced by C.
Protein change: p.Ter758Gln.
Molecular consequence: stop lost.
Genome position (GRCh38, 1-based): chr19:18,782,917, A>G on the plus strand (T>C on the coding strand, the complement: COMP is on the minus strand). VCF-style: chr19-18782917-A-G. GRCh37 (hg19) VCF-style: chr19-18893727-A-G.
Other names: *758Q.
Identifiers: ClinVar variation 890687 (VCV000890687.5), dbSNP rs2055134120, ClinGen allele CA404874777.